The following is an entry in ClinVar:

ClinVar aggregate classification (germline): Uncertain significance (1 of 4 stars; one submission).

Submission:

GeneDx
Classification: Uncertain significance. Last evaluated: 2019-06-05. Review status: criteria provided, single submitter. Criteria: GeneDx Variant Classification Process June 2021. Collection method: clinical testing. Allele origin: germline. Affected: yes.
Comment: Not observed in large population cohorts (Lek et al., 2016); In silico analysis, which includes protein predictors and evolutionary conservation, supports a deleterious effect; Has not been previously published as pathogenic or benign to our knowledge

NM_000702.4(ATP1A2):c.2256T>A (p.Phe752Leu)

Gene: ATP1A2 (ATPase Na+/K+ transporting subunit alpha 2; plus strand). Cytogenetic location: 1q23.2.
Variant type: single nucleotide variant.
Coding change: c.2256T>A on transcript NM_000702.4 (MANE Select); coding-DNA position 2256, T replaced by A.
Protein change: p.Phe752Leu; replaces phenylalanine 752 with leucine.
Molecular consequence: missense variant.
Genome position (GRCh38, 1-based): chr1:160,135,574, T>A. VCF-style: chr1-160135574-T-A. GRCh37 (hg19) VCF-style: chr1-160105364-T-A.
Other names: short protein forms F752L.
Identifiers: ClinVar variation 1303011 (VCV001303011.2), dbSNP rs2101995172, ClinGen allele CA343249519.
Genomic context (GRCh38, chr1:160,135,574, plus strand): 5'-CATCTCTGGCTCTGACGTCTCTAAGCAGGCAGCCGACATGATCCTGCTGGATGACAACTT[T>A]GCCTCCATCGTCACGGGGGTGGAGGAGGGTGAGGAGGCTGCATGGGTTGGGATGGTTTGC-3'
Protein context (NP_000693.1, residues 742-762): AADMILLDDN[Phe752Leu]ASIVTGVEEG